The following is an entry in ClinVar:

ClinVar aggregate classification (germline): Conflicting classifications of pathogenicity. Review status: criteria provided, conflicting classifications (1 of 4 stars). 2 submissions from 2 submitters: Uncertain significance (1); Likely benign (1). Last evaluated 2025-10-23.

Conditions:
Neurofibromatosis, type 1 (NF1). Also called: VON RECKLINGHAUSEN DISEASE; NEUROFIBROMATOSIS, TYPE I, SOMATIC; Peripheral type neurofibromatosis; Neurofibromatosis, type I. Identifiers: Orphanet 636, MedGen C0027831, MONDO:0018975, OMIM 162200. Disease mechanism: loss of function.

Submissions (2):

Labcorp Genetics (formerly Invitae), Labcorp
Classification: Uncertain significance for Neurofibromatosis, type 1. Last evaluated: 2025-10-23. Review status: criteria provided, single submitter. Criteria: Invitae Variant Classification Sherloc (09022015). Collection method: clinical testing. Allele origin: germline.
Comment: This sequence change replaces alanine, which is neutral and non-polar, with glutamic acid, which is acidic and polar, at codon 2623 of the NF1 protein (p.Ala2623Glu). This variant is not present in population databases (gnomAD no frequency). This variant has not been reported in the literature in individuals affected with NF1-related conditions. ClinVar contains an entry for this variant (Variation ID: 1702848). Invitae Evidence Modeling of protein sequence and biophysical properties (such as structural, functional, and spatial information, amino acid conservation, physicochemical variation, residue mobility, and thermodynamic stability) indicates that this missense variant is expected to disrupt NF1 protein function with a positive predictive value of 95%. In summary, the available evidence is currently insufficient to determine the role of this variant in disease. Therefore, it has been classified as a Variant of Uncertain Significance.

Medical Genetics, University of Parma
Classification: Likely benign for Neurofibromatosis, type 1. Last evaluated: 2022-08-17. Review status: criteria provided, single submitter. Criteria: ACMG Guidelines, 2015. Collection method: clinical testing. Allele origin: germline. Inheritance: Autosomal dominant inheritance. Affected: yes.

NM_001042492.3(NF1):c.7931C>A (p.Ala2644Glu)

Gene: NF1 (neurofibromin 1; plus strand). Cytogenetic location: 17q11.2.
Variant type: single nucleotide variant.
Coding change: c.7931C>A on transcript NM_001042492.3 (MANE Select); coding-DNA position 7931, C replaced by A.
Protein change: p.Ala2644Glu; replaces alanine 2644 with glutamic acid.
Molecular consequence: missense variant.
Genome position (GRCh38, 1-based): chr17:31,357,330, C>A. VCF-style: chr17-31357330-C-A. GRCh37 (hg19) VCF-style: chr17-29684348-C-A.
Other names: c.7868C>A, p.Ala2623Glu (NM_000267.4); short protein forms A2623E, A2644E.
Identifiers: ClinVar variation 1702848 (VCV001702848.3), dbSNP rs766494934, ClinGen allele CA399203485.